The following is an entry in ClinVar:

ClinVar aggregate classification (germline): Pathogenic (1 of 4 stars; one submission).

Conditions:
Spinocerebellar ataxia, autosomal recessive, with axonal neuropathy 2 (SCAN2). Also called: Ataxia with Oculomotor Apraxia Type 2; Ataxia-ocular apraxia-2; Ataxia with Oculomotor Apraxia; ATAXIA-OCULOMOTOR APRAXIA 2. Identifiers: Orphanet 64753, MedGen C1853761, MONDO:0018996, OMIM 606002.

Submission:

Baylor Genetics
Classification: Pathogenic for Spinocerebellar ataxia, autosomal recessive, with axonal neuropathy 2. Last evaluated: 2017-09-01. Review status: criteria provided, single submitter. Criteria: ACMG Guidelines, 2015. Collection method: clinical testing. Allele origin: paternal. Inheritance: Autosomal recessive inheritance. Affected: yes.

Literature cited by the submitters: PubMed 25326635.

NM_015046.7(SETX):c.6215_6216del (p.Glu2072fs)

Gene: SETX (senataxin; minus strand). Cytogenetic location: 9q34.13.
Variant type: Microsatellite.
Coding change: c.6215_6216del on transcript NM_015046.7 (MANE Select); coding-DNA positions 6215 to 6216, 2 bases deleted (AG; older notation c.6215_6216delAG).
Protein change: p.Glu2072fs; shifts the reading frame from glutamic acid 2072.
Molecular consequence: frameshift variant.
Genome position (GRCh38, 1-based): chr9:132,288,344-132,288,345, CT deleted on the plus strand (AG on the coding strand, the reverse complement: SETX is on the minus strand); deleting any 2 consecutive bases within chr9:132,288,344-132,288,347 gives the same sequence; the c. name uses the placement nearest the transcript's 3' end. VCF-style (leftmost placement, unchanged base first): chr9-132288343-ACT-A. GRCh37 (hg19) VCF-style: chr9-135163730-ACT-A.
Other names: c.6215_6216del, p.Glu2072fs (NM_001351527.2, NM_001351528.2); short protein forms E2072fs.
Identifiers: ClinVar variation 561105 (VCV000561105.2), dbSNP rs1564492117, ClinGen allele CA658821942.